The following is an entry in ClinVar:

ClinVar aggregate classification (germline): Likely pathogenic (1 of 4 stars; one submission).

Conditions:
Inborn genetic diseases. Identifiers: MedGen C0950123, MeSH D030342.

Submission:

Ambry Genetics
Classification: Likely pathogenic for Inborn genetic diseases. Last evaluated: 2024-01-19. Review status: criteria provided, single submitter. Criteria: Ambry Variant Classification Scheme 2023. Collection method: clinical testing. Allele origin: germline.
Comment: The c.2666T>C (p.L889P) alteration is located in exon 6 (coding exon 6) of the TET3 gene. This alteration results from a T to C substitution at nucleotide position 2666, causing the leucine (L) at amino acid position 889 to be replaced by a proline (P). This variant was not reported in population-based cohorts in the Genome Aggregation Database (gnomAD). This amino acid position is highly conserved in available vertebrate species. This missense alteration is located in a region that has a low rate of benign missense variation (Lek, 2016; Firth, 2009). This alteration is predicted to be deleterious by in silico analysis. Based on the available evidence, this alteration is classified as likely pathogenic.

NM_001287491.2(TET3):c.3071T>C (p.Leu1024Pro)

Gene: TET3 (tet methylcytosine dioxygenase 3; plus strand). Cytogenetic location: 2p13.1.
Variant type: single nucleotide variant.
Coding change: c.3071T>C on transcript NM_001287491.2 (MANE Select); coding-DNA position 3071, T replaced by C.
Protein change: p.Leu1024Pro; replaces leucine 1024 with proline.
Molecular consequence: missense variant.
Genome position (GRCh38, 1-based): chr2:74,092,933, T>C. VCF-style: chr2-74092933-T-C. GRCh37 (hg19) VCF-style: chr2-74320060-T-C.
Other names: c.2792T>C, p.Leu931Pro (NM_001366022.1); c.2666T>C, p.Leu889Pro (NM_144993.1); short protein forms L1024P, L889P, L931P.
Identifiers: ClinVar variation 3176239 (VCV003176239.1), dbSNP rs2467651823, ClinGen allele CA347312706.